The following is an entry in ClinVar:

NM_018116.4(MSTO1):c.154C>G (p.Arg52Gly)

Gene: MSTO1 (misato mitochondrial distribution and morphology regulator 1; plus strand). Cytogenetic location: 1q22.
Variant type: single nucleotide variant.
Coding change: c.154C>G on transcript NM_018116.4 (MANE Select); coding-DNA position 154, C replaced by G.
Protein change: p.Arg52Gly; replaces arginine 52 with glycine.
Molecular consequence: missense variant. On other transcripts: 5 prime UTR variant (14), non-coding transcript variant (6).
Genome position (GRCh38, 1-based): chr1:155,610,494, C>G. VCF-style: chr1-155610494-C-G. GRCh37 (hg19) VCF-style: chr1-155580285-C-G.
Other names: c.154C>G, p.Arg52Gly (NM_001256532.1, NM_001256533.1, NM_001350772.1 and 3 more transcripts); c.-134C>G (NM_001350776.1); c.-403C>G (NM_001350777.1, NM_001350779.1); c.-467C>G (NM_001350778.1); c.-519C>G (NM_001350780.1); c.-920C>G (NM_001350781.1); c.-445C>G (NM_001350782.1, NM_001350783.1, NM_001350786.1 and 1 more transcripts); c.-452C>G (NM_001350784.1, NM_001350787.1); and 2 more; short protein forms R52G.
Identifiers: ClinVar variation 3382349 (VCV003382349.2).

ClinVar aggregate classification (germline): Uncertain significance (1 of 4 stars; one submission).

Conditions:
Mitochondrial myopathy-cerebellar ataxia-pigmentary retinopathy syndrome. Also called: MYOPATHY, MITOCHONDRIAL, AND ATAXIA. Identifiers: Orphanet 502423, MedGen C4540096, MONDO:0044714, OMIM 617675.

Submission:

Juno Genomics, Hangzhou Juno Genomics, Inc
Classification: Uncertain significance for Mitochondrial myopathy-cerebellar ataxia-pigmentary retinopathy syndrome. Review status: criteria provided, single submitter. Criteria: ACMG Guidelines, 2015. Collection method: clinical testing. Allele origin: germline. Affected: yes.
Comment: Absent from controls (or at extremely low frequency if recessive) in Genome Aggregation Database, Exome Sequencing Project, 1000 Genomes Project, or Exome Aggregation Consortium.;Located in a mutational hot spot and/or critical and well-established functional domain (e.g. active site of an enzyme) without benign variation.